The following is an entry in ClinVar:

NM_139027.6(ADAMTS13):c.527T>C (p.Leu176Pro)

Gene: ADAMTS13 (ADAM metallopeptidase with thrombospondin type 1 motif 13; plus strand). Cytogenetic location: 9q34.2.
Variant type: single nucleotide variant.
Coding change: c.527T>C on transcript NM_139027.6 (MANE Select); coding-DNA position 527, T replaced by C.
Protein change: p.Leu176Pro; replaces leucine 176 with proline.
Molecular consequence: missense variant. On other transcripts: non-coding transcript variant (1).
Genome position (GRCh38, 1-based): chr9:133,426,050, T>C. VCF-style: chr9-133426050-T-C. GRCh37 (hg19) VCF-style: chr9-136291170-T-C.
Other names: c.527T>C, p.Leu176Pro (NM_139025.5, NM_139026.6); short protein forms L176P.
Identifiers: ClinVar variation 4743136 (VCV004743136.1).

ClinVar aggregate classification (germline): Uncertain significance (1 of 4 stars; one submission).

gnomAD v4.1: 1 of 1,614,018 alleles (0.000062%); highest among the groups gnomAD compares: Non-Finnish European, 0.000085%; no homozygotes.

Submission:

Labcorp Genetics (formerly Invitae), Labcorp
Classification: Uncertain significance. Last evaluated: 2025-09-05. Review status: criteria provided, single submitter. Criteria: Invitae Variant Classification Sherloc (09022015). Collection method: clinical testing. Allele origin: germline.
Comment: This sequence change replaces leucine, which is neutral and non-polar, with proline, which is neutral and non-polar, at codon 176 of the ADAMTS13 protein (p.Leu176Pro). This variant is not present in population databases (gnomAD no frequency). This variant has not been reported in the literature in individuals affected with ADAMTS13-related conditions. Invitae Evidence Modeling of protein sequence and biophysical properties (such as structural, functional, and spatial information, amino acid conservation, physicochemical variation, residue mobility, and thermodynamic stability) indicates that this missense variant is expected to disrupt ADAMTS13 protein function with a positive predictive value of 80%. In summary, the available evidence is currently insufficient to determine the role of this variant in disease. Therefore, it has been classified as a Variant of Uncertain Significance.